The following is an entry in ClinVar:

NM_021076.4(NEFH):c.1168A>G (p.Asn390Asp)

Gene: NEFH (neurofilament heavy chain; plus strand). Cytogenetic location: 22q12.2.
Variant type: single nucleotide variant.
Coding change: c.1168A>G on transcript NM_021076.4 (MANE Select); coding-DNA position 1168, A replaced by G.
Protein change: p.Asn390Asp; replaces asparagine 390 with aspartic acid.
Molecular consequence: missense variant.
Genome position (GRCh38, 1-based): chr22:29,485,807, A>G. VCF-style: chr22-29485807-A-G. GRCh37 (hg19) VCF-style: chr22-29881796-A-G.
Other names: short protein forms N390D.
Identifiers: ClinVar variation 4704649 (VCV004704649.1).

ClinVar aggregate classification (germline): Uncertain significance (1 of 4 stars; one submission).

Submission:

Labcorp Genetics (formerly Invitae), Labcorp
Classification: Uncertain significance. Last evaluated: 2025-12-16. Review status: criteria provided, single submitter. Criteria: Invitae Variant Classification Sherloc (09022015). Collection method: clinical testing. Allele origin: germline.
Comment: This sequence change replaces asparagine, which is neutral and polar, with aspartic acid, which is acidic and polar, at codon 390 of the NEFH protein (p.Asn390Asp). This variant is not present in population databases (gnomAD no frequency). This variant has not been reported in the literature in individuals affected with NEFH-related conditions. Invitae Evidence Modeling of protein sequence and biophysical properties (such as structural, functional, and spatial information, amino acid conservation, physicochemical variation, residue mobility, and thermodynamic stability) indicates that this missense variant is not expected to disrupt NEFH protein function with a negative predictive value of 95%. In summary, the available evidence is currently insufficient to determine the role of this variant in disease. Therefore, it has been classified as a Variant of Uncertain Significance.